The following is an entry in ClinVar:

ClinVar aggregate classification (germline): Uncertain significance (1 of 4 stars; one submission).

Allele frequency attached by ClinVar (database versions not stated): gnomAD 0.00003 and 0.00005; TOPMed 0.00004; gnomAD exomes 0.00007 and 0.00014; ESP Exome Variant Server 0.00008; ExAC 0.00012; 1000 Genomes Project 30x 0.00031; 1000 Genomes Project 0.00040.
gnomAD v4.1: 104 of 1,563,882 alleles (0.0067%); highest among the groups gnomAD compares: South Asian, 0.053%; 1 homozygote.

Submission:

Labcorp Genetics (formerly Invitae), Labcorp
Classification: Uncertain significance. Last evaluated: 2025-09-24. Review status: criteria provided, single submitter. Criteria: Invitae Variant Classification Sherloc (09022015). Collection method: clinical testing. Allele origin: germline.
Comment: This sequence change replaces threonine, which is neutral and polar, with methionine, which is neutral and non-polar, at codon 47 of the GNB3 protein (p.Thr47Met). This variant is present in population databases (rs116400596, gnomAD 0.05%). This variant has not been reported in the literature in individuals affected with GNB3-related conditions. ClinVar contains an entry for this variant (Variation ID: 960438). Invitae Evidence Modeling of protein sequence and biophysical properties (such as structural, functional, and spatial information, amino acid conservation, physicochemical variation, residue mobility, and thermodynamic stability) indicates that this missense variant is not expected to disrupt GNB3 protein function with a negative predictive value of 80%. In summary, the available evidence is currently insufficient to determine the role of this variant in disease. Therefore, it has been classified as a Variant of Uncertain Significance.

NM_002075.4(GNB3):c.140C>T (p.Thr47Met)

Gene: GNB3 (G protein subunit beta 3; plus strand). Cytogenetic location: 12p13.31.
Variant type: single nucleotide variant.
Coding change: c.140C>T on transcript NM_002075.4 (MANE Select); coding-DNA position 140, C replaced by T.
Protein change: p.Thr47Met; replaces threonine 47 with methionine.
Molecular consequence: missense variant.
Genome position (GRCh38, 1-based): chr12:6,843,013, C>T. VCF-style: chr12-6843013-C-T. GRCh37 (hg19) VCF-style: chr12-6952177-C-T.
Other names: c.140C>T, p.Thr47Met (NM_001297571.2); short protein forms T47M.
Identifiers: ClinVar variation 960438 (VCV000960438.10), dbSNP rs116400596, ClinGen allele CA6417422.